The following is an entry in ClinVar:

NM_000051.4(ATM):c.3646del (p.Tyr1216fs)

Gene: ATM (ATM serine/threonine kinase; plus strand). Cytogenetic location: 11q22.3.
Variant type: Deletion.
Coding change: c.3646del on transcript NM_000051.4 (MANE Select); coding-DNA position 3646, one base deleted (T; older notation c.3646delT).
Protein change: p.Tyr1216fs; shifts the reading frame from tyrosine 1216.
Molecular consequence: frameshift variant.
Genome position (GRCh38, 1-based): chr11:108,282,779, T deleted; the last of 2 consecutive T bases (chr11:108,282,778-108,282,779); deleting either gives the same sequence. VCF-style (leftmost placement, unchanged base first): chr11-108282777-AT-A. GRCh37 (hg19) VCF-style: chr11-108153504-AT-A.
Other names: c.3646del, p.Tyr1216fs (NM_001351834.2); short protein forms Y1216fs.
Identifiers: ClinVar variation 1733555 (VCV001733555.2), dbSNP rs2546879527, ClinGen allele CA2580083244.

ClinVar aggregate classification (germline): Pathogenic (1 of 4 stars; one submission).

Conditions:
Hereditary cancer-predisposing syndrome. Also called: Neoplastic Syndromes, Hereditary; Tumor predisposition; Hereditary Cancer Syndrome; Hereditary neoplastic syndrome. Identifiers: Orphanet 140162, MedGen C0027672, MeSH D009386, MONDO:0015356.

Submission:

Ambry Genetics
Classification: Pathogenic for Hereditary cancer-predisposing syndrome. Last evaluated: 2021-10-12. Review status: criteria provided, single submitter. Criteria: Ambry Variant Classification Scheme 2023. Collection method: clinical testing. Allele origin: germline.
Comment: The c.3646delT pathogenic mutation, located in coding exon 24 of the ATM gene, results from a deletion of one nucleotide at nucleotide position 3646, causing a translational frameshift with a predicted alternate stop codon (p.Y1216Ifs*7). This variant is considered to be rare based on population cohorts in the Genome Aggregation Database (gnomAD). This alteration is expected to result in loss of function by premature protein truncation or nonsense-mediated mRNA decay. As such, this alteration is interpreted as a disease-causing mutation.